The following is an entry in ClinVar:

NM_003036.4(SKI):c.2141G>T (p.Arg714Leu)

Gene: SKI (SKI proto-oncogene; plus strand). Cytogenetic location: 1p36.32.
Variant type: single nucleotide variant.
Coding change: c.2141G>T on transcript NM_003036.4 (MANE Select); coding-DNA position 2141, G replaced by T.
Protein change: p.Arg714Leu; replaces arginine 714 with leucine.
Molecular consequence: missense variant.
Genome position (GRCh38, 1-based): chr1:2,306,719, G>T. VCF-style: chr1-2306719-G-T. GRCh37 (hg19) VCF-style: chr1-2238158-G-T.
Other names: short protein forms R714L.
Identifiers: ClinVar variation 2899722 (VCV002899722.3), dbSNP rs754486257, ClinGen allele CA337959831.

ClinVar aggregate classification (germline): Uncertain significance (1 of 4 stars; one submission).

Conditions:
Shprintzen-Goldberg syndrome (SGS). Also called: SHPRINTZEN-GOLDBERG CRANIOSYNOSTOSIS SYNDROME; CRANIOSYNOSTOSIS WITH ARACHNODACTYLY AND ABDOMINAL HERNIAS; Marfanoid disorder with craniosynostosis type 1; Marfanoid craniosynostosis syndrome; Shprintzen-Goldberg marfanoid syndrome. Identifiers: Orphanet 2462, MedGen C1321551, MONDO:0008426, OMIM 182212.

gnomAD v4.1: 4 of 1,534,942 alleles (0.00026%); highest among the groups gnomAD compares: Non-Finnish European, 0.00035%; no homozygotes.

Submission:

Labcorp Genetics (formerly Invitae), Labcorp
Classification: Uncertain significance for Shprintzen-Goldberg syndrome. Last evaluated: 2026-01-08. Review status: criteria provided, single submitter. Criteria: Invitae Variant Classification Sherloc (09022015). Collection method: clinical testing. Allele origin: germline.
Comment: This sequence change replaces arginine, which is basic and polar, with leucine, which is neutral and non-polar, at codon 714 of the SKI protein (p.Arg714Leu). This variant is not present in population databases (gnomAD no frequency). This variant has not been reported in the literature in individuals affected with SKI-related conditions. ClinVar contains an entry for this variant (Variation ID: 2899722). Invitae Evidence Modeling of protein sequence and biophysical properties (such as structural, functional, and spatial information, amino acid conservation, physicochemical variation, residue mobility, and thermodynamic stability) indicates that this missense variant is not expected to disrupt SKI protein function with a negative predictive value of 95%. In summary, the available evidence is currently insufficient to determine the role of this variant in disease. Therefore, it has been classified as a Variant of Uncertain Significance.